The following is an entry in ClinVar:

ClinVar aggregate classification (germline): Uncertain significance (1 of 4 stars; one submission).

Conditions:
Primary ciliary dyskinesia. Also called: Ciliary dyskinesia. Identifiers: Orphanet 244, MedGen C0008780, MONDO:0016575, HP:0012265.

Allele frequency attached by ClinVar (database versions not stated): gnomAD exomes below 0.00001; gnomAD 0.00001.
gnomAD v4.1: 2 of 1,614,026 alleles (0.00012%); highest among the groups gnomAD compares: African/African-American, 0.0013%; no homozygotes.

Submission:

Labcorp Genetics (formerly Invitae), Labcorp
Classification: Uncertain significance for Primary ciliary dyskinesia. Last evaluated: 2022-06-01. Review status: criteria provided, single submitter. Criteria: Invitae Variant Classification Sherloc (09022015). Collection method: clinical testing. Allele origin: germline.
Comment: This sequence change replaces threonine, which is neutral and polar, with isoleucine, which is neutral and non-polar, at codon 1869 of the DNAH5 protein (p.Thr1869Ile). This variant is present in population databases (no rsID available, gnomAD 0.01%). This variant has not been reported in the literature in individuals affected with DNAH5-related conditions. Advanced modeling of protein sequence and biophysical properties (such as structural, functional, and spatial information, amino acid conservation, physicochemical variation, residue mobility, and thermodynamic stability) performed at Invitae indicates that this missense variant is not expected to disrupt DNAH5 protein function. In summary, the available evidence is currently insufficient to determine the role of this variant in disease. Therefore, it has been classified as a Variant of Uncertain Significance.

NM_001369.3(DNAH5):c.5606C>T (p.Thr1869Ile)

Gene: DNAH5 (dynein axonemal heavy chain 5; minus strand). Cytogenetic location: 5p15.2.
Variant type: single nucleotide variant.
Coding change: c.5606C>T on transcript NM_001369.3 (MANE Select); coding-DNA position 5606, C replaced by T.
Protein change: p.Thr1869Ile; replaces threonine 1869 with isoleucine.
Molecular consequence: missense variant.
Genome position (GRCh38, 1-based): chr5:13,841,009, G>A on the plus strand (C>T on the coding strand, the complement: DNAH5 is on the minus strand). VCF-style: chr5-13841009-G-A. GRCh37 (hg19) VCF-style: chr5-13841118-G-A.
Other names: short protein forms T1869I.
Identifiers: ClinVar variation 2128247 (VCV002128247.1), dbSNP rs1286610541, ClinGen allele CA359209485.